The following is an entry in ClinVar:

ClinVar aggregate classification (germline): Benign/Likely benign. Review status: criteria provided, multiple submitters, no conflicts (2 of 4 stars). 2 submissions from 2 submitters: Benign (1); Likely benign (1). Last evaluated 2026-08-03.

Conditions:
Familial colorectal cancer type X. Identifiers: Orphanet 440437, MedGen C3896578, MONDO:0018604.

Allele frequency attached by ClinVar (database versions not stated): gnomAD exomes below 0.00001.
gnomAD v4.1: 2 of 1,613,980 alleles (0.00012%); highest among the groups gnomAD compares: East Asian, 0.0022%; no homozygotes.

Submissions (2):

Myriad Genetics, Inc.
Classification: Benign for Familial colorectal cancer type X. Last evaluated: 2026-08-03. Review status: criteria provided, single submitter. Criteria: Myriad Autosomal Dominant, Autosomal Recessive and X-Linked Classification Criteria (2023). Collection method: clinical testing. Allele origin: unknown.
Comment: This variant is considered benign. This variant is a silent/synonymous amino acid change and it is not expected to impact splicing.

Ambry Genetics
Classification: Likely benign. Last evaluated: 2019-06-26. Review status: criteria provided, single submitter. Criteria: Ambry Variant Classification Scheme 2023. Collection method: clinical testing. Allele origin: germline.

NM_001023.4(RPS20):c.63A>G (p.Arg21=)

Gene: RPS20 (ribosomal protein S20; minus strand). Cytogenetic location: 8q12.1.
Variant type: single nucleotide variant.
Coding change: c.63A>G on transcript NM_001023.4 (MANE Select); coding-DNA position 63, A replaced by G.
Protein change: p.Arg21=; no amino-acid change (arginine 21 retained).
Molecular consequence: synonymous variant.
Genome position (GRCh38, 1-based): chr8:56,074,100, T>C on the plus strand (A>G on the coding strand, the complement: RPS20 is on the minus strand). VCF-style: chr8-56074100-T-C. GRCh37 (hg19) VCF-style: chr8-56986659-T-C.
Other names: c.63A>G, p.Arg21= (NM_001146227.3).
Identifiers: ClinVar variation 1753293 (VCV001753293.3), dbSNP rs2486985423, ClinGen allele CA461101619.